The following is an entry in ClinVar:

ClinVar aggregate classification (germline): Benign. Review status: criteria provided, multiple submitters, no conflicts (2 of 4 stars). 3 submissions from 3 submitters: Benign (2). 1 of the submissions does not count toward it. Last evaluated 2026-02-04.

Conditions:
ITGAM-related disorder. Also called: ITGAM-related condition.

Allele frequency attached by ClinVar (database versions not stated): gnomAD exomes 0.12914; 1000 Genomes Project 0.15915; 1000 Genomes Project 30x 0.15974; ESP Exome Variant Server 0.15257; TOPMed 0.15490; ExAC 0.13642; gnomAD 0.15573 and 0.15702.
gnomAD v4.1: 199,150 of 1,613,572 alleles (12%); highest among the groups gnomAD compares: African/African-American, 24%; 13,755 homozygotes.

Submissions (3):

Labcorp Genetics (formerly Invitae), Labcorp
Classification: Benign. Last evaluated: 2026-02-04. Review status: criteria provided, single submitter. Criteria: Invitae Variant Classification Sherloc (09022015). Collection method: clinical testing. Allele origin: germline.

Breakthrough Genomics
Classification: Benign. Review status: criteria provided, single submitter. Criteria: ACMG Guidelines, 2015. Collection method: not provided. Allele origin: germline. Inheritance: Unknown mechanism. Affected: yes.

PreventionGenetics, part of Exact Sciences
Classification: Benign for ITGAM-related condition. Last evaluated: 2019-11-12. Review status: no assertion criteria provided. Collection method: clinical testing. Allele origin: germline. Not counted in ClinVar's aggregate classification.
Comment: This variant is classified as benign based on ACMG/AMP sequence variant interpretation guidelines (Richards et al. 2015 PMID: 25741868, with internal and published modifications).

NM_000632.4(ITGAM):c.559-4G>A

Gene: ITGAM (integrin subunit alpha M; plus strand). Cytogenetic location: 16p11.2.
Variant type: single nucleotide variant.
Coding change: c.559-4G>A on transcript NM_000632.4 (MANE Select); 4 bases into the intron before coding-DNA position 559, G replaced by A.
Molecular consequence: intron variant.
Genome position (GRCh38, 1-based): chr16:31,271,843, G>A. VCF-style: chr16-31271843-G-A. GRCh37 (hg19) VCF-style: chr16-31283164-G-A.
Other names: c.559-4G>A (NM_001145808.2, NM_000632.3).
Identifiers: ClinVar variation 1164966 (VCV001164966.12), dbSNP rs35314490, ClinGen allele CA8025278.
Genomic context (GRCh38, chr16:31,271,843, plus strand): 5'-GCTGGGAGATGTCTGAGGGGTGGGGGCACCTTCTCCAGCATCACACCAGCCGCCCCCTCC[G>A]CAGTTCTCTTTGATGCAGTACTCTGAAGAATTCCGGATTCACTTTACCTTCAAAGAGTTC-3'